The following is an entry in ClinVar:

NM_001754.5(RUNX1):c.849G>A (p.Gln283=)

Gene: RUNX1 (RUNX family transcription factor 1; minus strand). Cytogenetic location: 21q22.12.
Variant type: single nucleotide variant.
Coding change: c.849G>A on transcript NM_001754.5 (MANE Select); coding-DNA position 849, G replaced by A.
Protein change: p.Gln283=; no amino-acid change (glutamine 283 retained).
Molecular consequence: synonymous variant.
Genome position (GRCh38, 1-based): chr21:34,799,419, C>T on the plus strand (G>A on the coding strand, the complement: RUNX1 is on the minus strand). VCF-style: chr21-34799419-C-T. GRCh37 (hg19) VCF-style: chr21-36171716-C-T.
Other names: NM_001754.5(RUNX1):c.849G>A; p.Gln283=; c.768G>A, p.Gln256= (NM_001001890.3).
Identifiers: ClinVar variation 2779850 (VCV002779850.5), dbSNP rs1056623039, ClinGen allele CA512232267.
Genomic context (GRCh38, chr21:34,799,419, plus strand): 5'-TGAAATGGGCGTTGCTGGGTGCACAGAAGGAGAGGCAATGGATCCCAGGTATTGGTAGGA[C>T]TGATCGTAGGACCACGGTGGGGATGGTTGGATCTGCCTTGTATCTGAAGAGAATCAGAAA-3'
Protein context (NP_001745.2, residues 273-293): IQPSPPWSYD[Gln283=]SYQYLGSIAS

ClinVar aggregate classification (germline): Likely benign. Review status: reviewed by expert panel (3 of 4 stars). 3 submissions from 3 submitters: Likely benign (1). 2 of the submissions do not count toward it. Last evaluated 2024-09-18.

Conditions:
Inborn genetic diseases. Identifiers: MedGen C0950123, MeSH D030342.
Hereditary thrombocytopenia and hematologic cancer predisposition syndrome. Identifiers: Orphanet 71290, MedGen CN281654, MONDO:0011071.
Hereditary thrombocytopenia and hematological cancer predisposition syndrome associated with RUNX1. Also called: RUNX1 Familial Platelet Disorder with Associated Myeloid Malignancies; Familial Platelet Disorder with Propensity to Acute Myelogenous Leukemia; Familial thrombocytopenia with propensity to acute myelogenous leukemia; PLATELET DISORDER, ASPIRIN-LIKE. Identifiers: Orphanet 71290, MedGen C1832388, MeSH C563324, MONDO:0100083, OMIM 601399.

Allele frequency attached by ClinVar (database versions not stated): gnomAD 0.00001.
gnomAD v4.1: 1 of 1,614,052 alleles (0.000062%); highest among the groups gnomAD compares: Non-Finnish European, 0.000085%; no homozygotes.

Submissions (3):

ClinGen Myeloid Malignancy Variant Curation Expert Panel
Classification: Likely benign for Hereditary thrombocytopenia and hematologic cancer predisposition syndrome. Last evaluated: 2024-09-18. Review status: reviewed by expert panel. Criteria: ClinGen MyeloMalig ACMG Specifications v2. Collection method: curation. Allele origin: germline. Inheritance: Autosomal dominant inheritance.
Comment: NM_001754.5(RUNX1):c.849G>A (p.Gln283=) is a synonymous variant whcih has a SpliceAI score ≤ 0.20 (0.0) (BP4). This variant has a SpliceAI score ≤ 0.20 (0.0) and evolutionary conservation algorithms predict the site as being not conserved (PhyloP score ≤ 2.0 (1.01) (BP7). This variant is completely absent from all population databases with at least 20x coverage for RUNX1 (PM2_Supporting). In summary, this variant meets criteria to be classified as likely benign. ACMG/AMP criteria applied, as specified by the Myeloid Malignancy Variant Curation Expert Panel for RUNX1: BP4, BP7, PM2_supporting.

Ambry Genetics
Classification: Likely benign for Inborn genetic diseases. Last evaluated: 2026-07-25. Review status: criteria provided, single submitter. Criteria: Ambry Variant Classification Scheme 2023. Collection method: clinical testing. Allele origin: germline. Not counted in ClinVar's aggregate classification.

Labcorp Genetics (formerly Invitae), Labcorp
Classification: Likely benign for Hereditary thrombocytopenia and hematological cancer predisposition syndrome associated with RUNX1. Last evaluated: 2023-02-13. Review status: criteria provided, single submitter. Criteria: Invitae Variant Classification Sherloc (09022015). Collection method: clinical testing. Allele origin: germline. Not counted in ClinVar's aggregate classification.